The following is an entry in ClinVar:

ClinVar aggregate classification (germline): Conflicting classifications of pathogenicity. Review status: criteria provided, conflicting classifications (1 of 4 stars). 3 submissions from 3 submitters: Likely pathogenic (1); Uncertain significance (2). Last evaluated 2026-01-02.

Conditions:
Ovarian cancer. Also called: OVARIAN CANCER, SOMATIC. Identifiers: Orphanet 213500, MedGen C1140680, MONDO:0008170, OMIM 167000.
Hereditary cancer-predisposing syndrome. Also called: Neoplastic Syndromes, Hereditary; Tumor predisposition; Hereditary Cancer Syndrome; Hereditary neoplastic syndrome. Identifiers: Orphanet 140162, MedGen C0027672, MeSH D009386, MONDO:0015356.
Neuroblastoma, susceptibility to, 3. Also called: ALK-Related Neuroblastic Tumor Susceptibility. Identifiers: Orphanet 635, MedGen C2751681, MONDO:0013083, OMIM 613014.

Allele frequency attached by ClinVar (database versions not stated): gnomAD exomes below 0.00001; gnomAD 0.00001; TOPMed 0.00002.
gnomAD v4.1: 4 of 1,614,124 alleles (0.00025%); highest among the groups gnomAD compares: East Asian, 0.0045%; no homozygotes.

Submissions (3):

Ambry Genetics
Classification: Uncertain significance for Hereditary cancer-predisposing syndrome. Last evaluated: 2026-01-02. Review status: criteria provided, single submitter. Criteria: Ambry Variant Classification Scheme 2023. Collection method: clinical testing. Allele origin: germline.
Comment: The p.K1498R variant (also known as c.4493A>G), located in coding exon 29 of the ALK gene, results from an A to G substitution at nucleotide position 4493. The lysine at codon 1498 is replaced by arginine, an amino acid with highly similar properties. This amino acid position is highly conserved in available vertebrate species. In addition, the in silico prediction for this alteration is inconclusive. Based on the available evidence, the clinical significance of this variant remains unclear.

Labcorp Genetics (formerly Invitae), Labcorp
Classification: Uncertain significance for Neuroblastoma, susceptibility to, 3. Last evaluated: 2025-05-07. Review status: criteria provided, single submitter. Criteria: Invitae Variant Classification Sherloc (09022015). Collection method: clinical testing. Allele origin: germline.
Comment: This sequence change replaces lysine, which is basic and polar, with arginine, which is basic and polar, at codon 1498 of the ALK protein (p.Lys1498Arg). This variant is not present in population databases (gnomAD no frequency). This variant has not been reported in the literature in individuals affected with ALK-related conditions. ClinVar contains an entry for this variant (Variation ID: 2445362). An algorithm developed to predict the effect of missense changes on protein structure and function (PolyPhen-2) suggests that this variant is likely to be disruptive. In summary, the available evidence is currently insufficient to determine the role of this variant in disease. Therefore, it has been classified as a Variant of Uncertain Significance.

Laboratory of Molecular Epidemiology of Birth Defects, West China Second University Hospital, Sichuan University
Classification: Likely pathogenic for Ovarian cancer. Last evaluated: 2022-01-01. Review status: criteria provided, single submitter. Criteria: ACMG Guidelines, 2015. Collection method: clinical testing. Allele origin: germline. Affected: yes.

NM_004304.5(ALK):c.4493A>G (p.Lys1498Arg)

Gene: ALK (ALK receptor tyrosine kinase; minus strand). Cytogenetic location: 2p23.2.
Variant type: single nucleotide variant.
Coding change: c.4493A>G on transcript NM_004304.5 (MANE Select); coding-DNA position 4493, A replaced by G.
Protein change: p.Lys1498Arg; replaces lysine 1498 with arginine.
Molecular consequence: missense variant.
Genome position (GRCh38, 1-based): chr2:29,193,594, T>C on the plus strand (A>G on the coding strand, the complement: ALK is on the minus strand). VCF-style: chr2-29193594-T-C. GRCh37 (hg19) VCF-style: chr2-29416460-T-C.
Other names: c.1289A>G, p.Lys430Arg (NM_001353765.2); short protein forms K1498R, K430R.
Identifiers: ClinVar variation 2445362 (VCV002445362.5), dbSNP rs1475116674, ClinGen allele CA346461245.
Genomic context (GRCh38, chr2:29,193,594, plus strand): 5'-TTTTTGGTGGGTTTCTCTGTAAACCAGGAGCCGTACGTTGGGTTCCACAAGCTGGTGGGC[T>C]TGTTTCTGGATCCGTGGACCTTGTGCAACTCCGAAGGAGGGTTGGACTGAGAGAATGCCA-3'
Protein context (NP_004295.2, residues 1488-1508): ELHKVHGSRN[Lys1498Arg]PTSLWNPTYG